The following is an entry in ClinVar:

NC_000010.10:g.(?_95517902)_(95518608_?)del

Gene: LGI1 (leucine rich glioma inactivated 1; plus strand). Cytogenetic location: 10q23.33.
Variant type: Deletion.
Identifiers: ClinVar variation 3244840 (VCV003244840.1).

ClinVar aggregate classification (germline): Pathogenic (1 of 4 stars; one submission).

Conditions:
Autosomal dominant epilepsy with auditory features. Identifiers: Orphanet 101046, MedGen C1838062, MONDO:0010898.

Submission:

Labcorp Genetics (formerly Invitae), Labcorp
Classification: Pathogenic for Autosomal dominant epilepsy with auditory features. Last evaluated: 2023-08-28. Review status: criteria provided, single submitter. Criteria: Invitae Variant Classification Sherloc (09022015). Collection method: clinical testing. Allele origin: unknown.
Comment: This variant is a gross deletion of the genomic region encompassing exon(s) 1-2 of the LGI1 gene, which includes the initiator codon. This deletion extends beyond the assayed region for this gene and therefore may encompass additional genes. It is expected to result in an absent or disrupted protein product. Loss-of-function variants in LGI1 are known to be pathogenic (PMID: 24206907). This variant has not been reported in the literature in individuals affected with LGI1-related conditions. For these reasons, this variant has been classified as Pathogenic.

Literature cited by the submitters: PubMed 24206907.